The following is an entry in ClinVar:

Conditions:
Breast-ovarian cancer, familial, susceptibility to, 1 (BROVCA1). Also called: BRCA1 Hereditary Breast and Ovarian Cancer; OVARIAN CANCER, SUSCEPTIBILITY TO. Identifiers: Orphanet 145, MedGen C2676676, MONDO:0011450, OMIM 604370. Disease mechanism: loss of function.

Submission:

Brotman Baty Institute, University of Washington
No classification provided (evidence only). Condition: Breast-ovarian cancer, familial 1. Review status: no classification provided. Collection method: in vitro. Allele origin: not applicable. Functional consequence: functionally_normal.
ClinVar note: "not provided" was previously submitted as the classification for the variant. However, the classification appeared to be based only on an observation of functional data so it was converted to no classification on 2025-07-30.

NM_007294.4(BRCA1):c.5153-8C>G

Gene: BRCA1 (BRCA1 DNA repair associated; minus strand). Cytogenetic location: 17q21.31.
Variant type: single nucleotide variant.
Coding change: c.5153-8C>G on transcript NM_007294.4 (MANE Select); 8 bases into the intron before coding-DNA position 5153, C replaced by G.
Molecular consequence: intron variant.
Genome position (GRCh38, 1-based): chr17:43,063,381, G>C on the plus strand (C>G on the coding strand, the complement: BRCA1 is on the minus strand). VCF-style: chr17-43063381-G-C. GRCh37 (hg19) VCF-style: chr17-41215398-G-C.
Other names: c.1700-8C>G (NM_001408458.1, NM_001408461.1, NM_001408464.1 and 7 more transcripts); c.4262-8C>G (NM_001407967.1); c.4772-8C>G (NM_001407959.1); c.4886-8C>G (NM_001407931.1, NM_001407932.1, NM_001407928.1 and 4 more transcripts); c.5009-8C>G (NM_001407747.1, NM_001407745.1, NM_001407737.1 and 21 more transcripts); c.4769-8C>G (NM_001407962.1, NM_001407960.1); c.1340-8C>G (NM_001408512.1); c.1463-8C>G (NM_001408510.1); and 72 more.
Identifiers: ClinVar variation 867421 (VCV000867421.3), dbSNP rs1060504570, ClinGen allele CA916080057.
Genomic context (GRCh38, chr17:43,063,381, plus strand): 5'-TCAAGTACTTACCTCATTCAGCATTTTTCTTTCTTTAATAGACTGGGTCACCCCTAAAGA[G>C]ATCATAGAAAAGACAGGTTACATACAGCAGAAGAACGTGCTCTTTTCACGGAGATAGAGA-3'